The following is an entry in ClinVar:

NM_001371986.1(UNC80):c.3998G>A (p.Cys1333Tyr)

Gene: UNC80 (unc-80 subunit of NALCN channel complex; plus strand). Cytogenetic location: 2q34.
Variant type: single nucleotide variant.
Coding change: c.3998G>A on transcript NM_001371986.1 (MANE Select); coding-DNA position 3998, G replaced by A.
Protein change: p.Cys1333Tyr; replaces cysteine 1333 with tyrosine.
Molecular consequence: missense variant.
Genome position (GRCh38, 1-based): chr2:209,880,982, G>A. VCF-style: chr2-209880982-G-A. GRCh37 (hg19) VCF-style: chr2-210745706-G-A.
Other names: c.4004G>A, p.Cys1335Tyr (NM_032504.2); c.3989G>A, p.Cys1330Tyr (NM_182587.4); short protein forms C1330Y, C1335Y, C1333Y.
Identifiers: ClinVar variation 1354953 (VCV001354953.6), dbSNP rs1407012746, ClinGen allele CA350747611.

ClinVar aggregate classification (germline): Uncertain significance (1 of 4 stars; one submission).

Submission:

Labcorp Genetics (formerly Invitae), Labcorp
Classification: Uncertain significance. Last evaluated: 2025-03-10. Review status: criteria provided, single submitter. Criteria: Invitae Variant Classification Sherloc (09022015). Collection method: clinical testing. Allele origin: germline.
Comment: This sequence change replaces cysteine, which is neutral and slightly polar, with tyrosine, which is neutral and polar, at codon 1335 of the UNC80 protein (p.Cys1335Tyr). This variant is not present in population databases (gnomAD no frequency). This variant has not been reported in the literature in individuals affected with UNC80-related conditions. ClinVar contains an entry for this variant (Variation ID: 1354953). An algorithm developed to predict the effect of missense changes on protein structure and function (PolyPhen-2) suggests that this variant is likely to be disruptive. In summary, the available evidence is currently insufficient to determine the role of this variant in disease. Therefore, it has been classified as a Variant of Uncertain Significance.